The following is an entry in ClinVar:

ClinVar aggregate classification (germline): Uncertain significance. Review status: criteria provided, multiple submitters, no conflicts (2 of 4 stars). 2 submissions from 2 submitters: Uncertain significance (2). Last evaluated 2024-02-13.

Conditions:
Neuropathy, hereditary sensory, type 2C. Also called: Hereditary sensory and autonomic neuropathy type IIC; KIF1A-Related HSAN2 (HSAN2C). Identifiers: Orphanet 970, MedGen C3280168, MONDO:0013634, OMIM 614213.
Intellectual disability, autosomal dominant 9 (NESCAVS). Also called: NESCAV SYNDROME; KIF1A-Related Neurodevelopmental Disorder. Identifiers: Orphanet 662367, MedGen C5393830, MONDO:0013656, OMIM 614255.
Hereditary spastic paraplegia 30. Identifiers: Orphanet 101010, MedGen C5235139, MONDO:0012476.

Submissions (2):

GeneDx
Classification: Uncertain significance. Last evaluated: 2024-02-13. Review status: criteria provided, single submitter. Criteria: GeneDx Variant Classification Process June 2021. Collection method: clinical testing. Allele origin: germline.
Comment: Not observed at significant frequency in large population cohorts (gnomAD); In silico analysis supports that this missense variant does not alter protein structure/function; Has not been previously published as pathogenic or benign to our knowledge

Labcorp Genetics (formerly Invitae), Labcorp
Classification: Uncertain significance for Hereditary spastic paraplegia 30; Neuropathy, hereditary sensory, type 2C; Intellectual disability, autosomal dominant 9. Last evaluated: 2017-07-31. Review status: criteria provided, single submitter. Criteria: Invitae Variant Classification Sherloc (09022015). Collection method: clinical testing. Allele origin: germline.
Comment: This variant is not present in population databases (ExAC no frequency). This sequence change replaces arginine with serine at codon 1684 of the KIF1A protein (p.Arg1684Ser). The arginine residue is moderately conserved and there is a moderate physicochemical difference between arginine and serine. This variant has not been reported in the literature in individuals with KIF1A-related disease. Algorithms developed to predict the effect of missense changes on protein structure and function (SIFT, PolyPhen-2, Align-GVGD) all suggest that this variant is likely to be tolerated, but these predictions have not been confirmed by published functional studies and their clinical significance is uncertain. In summary, the available evidence is currently insufficient to determine the role of this variant in disease. Therefore, it has been classified as a Variant of Uncertain Significance.

NM_001244008.2(KIF1A):c.5355G>T (p.Arg1785Ser)

Gene: KIF1A (kinesin family member 1A; minus strand). Cytogenetic location: 2q37.3.
Variant type: single nucleotide variant.
Coding change: c.5355G>T on transcript NM_001244008.2 (MANE Select); coding-DNA position 5355, G replaced by T.
Protein change: p.Arg1785Ser; replaces arginine 1785 with serine.
Molecular consequence: missense variant.
Genome position (GRCh38, 1-based): chr2:240,717,385, C>A on the plus strand (G>T on the coding strand, the complement: KIF1A is on the minus strand). VCF-style: chr2-240717385-C-A. GRCh37 (hg19) VCF-style: chr2-241656802-C-A.
Other names: c.5079G>T, p.Arg1693Ser (NM_001320705.2, NM_001379649.1); c.5106G>T, p.Arg1702Ser (NM_001330289.2); c.5154G>T, p.Arg1718Ser (NM_001330290.2, NM_001379648.1); c.5430G>T, p.Arg1810Ser (NM_001379631.1); c.5331G>T, p.Arg1777Ser (NM_001379632.1); c.5328G>T, p.Arg1776Ser (NM_001379633.1, NM_001379645.1); c.5181G>T, p.Arg1727Ser (NM_001379634.1); c.5178G>T, p.Arg1726Ser (NM_001379635.1, NM_001379646.1); and 8 more; short protein forms R1785S, R1684S, R1702S, R1693S, R1718S, R1672S, R1683S, R1692S.
Identifiers: ClinVar variation 464260 (VCV000464260.11), dbSNP rs779509876, ClinGen allele CA351297239.
Genomic context (GRCh38, chr2:240,717,385, plus strand): 5'-ATGGGCTGGGCCTGCCGGCTGTCACGGGAGGGCTCAGGTTCAGACCCGCATCTGGGCAGA[C>A]CTCCTTCTGGAGAGCTTGGACCTGCAGAAGAGTTGGGAGAGGCGGCGTGGTCAGGCCAGG-3'
Protein context (NP_001230937.1, residues 1775-1791): GTIRSKLSRR[Arg1785Ser]SAQMRV